The following is an entry in ClinVar:

ClinVar aggregate classification (germline): Likely benign (1 of 4 stars; one submission).

Allele frequency attached by ClinVar (database versions not stated): 1000 Genomes Project 30x 0.00109; 1000 Genomes Project 0.00140; gnomAD 0.00356; TOPMed 0.00399; ESP Exome Variant Server 0.00416.
gnomAD v4.1: 8,949 of 1,614,166 alleles (0.55%); highest among the groups gnomAD compares: Non-Finnish European, 0.71%; 36 homozygotes.

Submission:

CeGaT Center for Human Genetics Tuebingen
Classification: Likely benign. Last evaluated: 2022-06-01. Review status: criteria provided, single submitter. Criteria: CeGaT Center For Human Genetics Tuebingen Variant Classification Criteria Version 2. Collection method: clinical testing. Allele origin: germline. Affected: yes. Observed: 1 variant allele.
Comment: ZNF19: BP4, BP7

NM_006961.4(ZNF19):c.474G>A (p.Arg158=)

Gene: ZNF19 (zinc finger protein 19; minus strand). Cytogenetic location: 16q22.2.
Variant type: single nucleotide variant.
Coding change: c.474G>A on transcript NM_006961.4 (MANE Select); coding-DNA position 474, G replaced by A.
Protein change: p.Arg158=; no amino-acid change (arginine 158 retained).
Molecular consequence: synonymous variant.
Genome position (GRCh38, 1-based): chr16:71,476,073, C>T on the plus strand (G>A on the coding strand, the complement: ZNF19 is on the minus strand). VCF-style: chr16-71476073-C-T. GRCh37 (hg19) VCF-style: chr16-71509976-C-T.
Identifiers: ClinVar variation 2646799 (VCV002646799.24), dbSNP rs147578256, ClinGen allele CA8153278.